The following is an entry in ClinVar:

ClinVar aggregate classification (germline): Likely pathogenic. Review status: criteria provided, multiple submitters, no conflicts (2 of 4 stars). 2 submissions from 2 submitters: Likely pathogenic (2). Last evaluated 2025-08-15.

Conditions:
Lamellar ichthyosis. Identifiers: Orphanet 313, MedGen C5848247, MONDO:0017778.

Allele frequency attached by ClinVar (database versions not stated): gnomAD 0.00009; ExAC 0.00011; TOPMed 0.00011; ESP Exome Variant Server 0.00023; gnomAD exomes 0.00033.
gnomAD v4.1: 490 of 1,612,470 alleles (0.03%); highest among the groups gnomAD compares: Non-Finnish European, 0.04%; no homozygotes.

Submissions (2):

Women's Health and Genetics/Laboratory Corporation of America, LabCorp
Classification: Likely pathogenic for Lamellar ichthyosis. Last evaluated: 2025-08-15. Review status: criteria provided, single submitter. Criteria: LabCorp Variant Classification Summary - May 2015. Collection method: clinical testing. Allele origin: germline.
Comment: Variant summary: ABCA12 c.196G>A (p.Gly66Arg) results in a non-conservative amino acid change in the encoded protein sequence. Algorithms developed to predict the effect of missense changes on protein structure and function all suggest that this variant is likely to be disruptive. The variant allele was found at a frequency of 0.00014 in 250872 control chromosomes. This frequency is not significantly higher than estimated for a pathogenic variant in ABCA12 causing Lamellar Ichthyosis (0.00014 vs 0.00066), allowing no conclusion about variant significance. c.196G>A has been reported as compound heterozygous in the literature in individuals affected with icthyosis (e.g., Cheng_2020, Wang_2025, Chang_2025).These data indicate that the variant may be associated with disease. To our knowledge, no experimental evidence demonstrating an impact on protein function has been reported. The following publications have been ascertained in the context of this evaluation (PMID: 31953843, 39360556, 39497469). ClinVar contains an entry for this variant (Variation ID: 2864440). Based on the evidence outlined above, the variant was classified as likely pathogenic.

Labcorp Genetics (formerly Invitae), Labcorp
Classification: Likely pathogenic. Last evaluated: 2024-03-03. Review status: criteria provided, single submitter. Criteria: Invitae Variant Classification Sherloc (09022015). Collection method: clinical testing. Allele origin: germline.
Comment: This sequence change replaces glycine, which is neutral and non-polar, with arginine, which is basic and polar, at codon 66 of the ABCA12 protein (p.Gly66Arg). This variant is present in population databases (rs201526979, gnomAD 0.02%). This missense change has been observed in individual(s) with congenital ichthyosis (PMID: 31953843). Advanced modeling of protein sequence and biophysical properties (such as structural, functional, and spatial information, amino acid conservation, physicochemical variation, residue mobility, and thermodynamic stability) performed at Invitae indicates that this missense variant is expected to disrupt ABCA12 protein function with a positive predictive value of 95%. In summary, the currently available evidence indicates that the variant is pathogenic, but additional data are needed to prove that conclusively. Therefore, this variant has been classified as Likely Pathogenic.

Literature cited by the submitters: PubMed 31953843 (cited by Women's Health and Genetics/Laboratory Corporation of America, LabCorp and Labcorp Genetics (formerly Invitae), Labcorp); PubMed 39497469 (cited by Women's Health and Genetics/Laboratory Corporation of America, LabCorp); PubMed 39360556 (cited by Women's Health and Genetics/Laboratory Corporation of America, LabCorp).

NM_173076.3(ABCA12):c.196G>A (p.Gly66Arg)

Gene: ABCA12 (ATP binding cassette subfamily A member 12; minus strand). Cytogenetic location: 2q35.
Variant type: single nucleotide variant.
Coding change: c.196G>A on transcript NM_173076.3 (MANE Select); coding-DNA position 196, G replaced by A.
Protein change: p.Gly66Arg; replaces glycine 66 with arginine.
Molecular consequence: missense variant. On other transcripts: non-coding transcript variant (1).
Genome position (GRCh38, 1-based): chr2:215,064,187, C>T on the plus strand (G>A on the coding strand, the complement: ABCA12 is on the minus strand). VCF-style: chr2-215064187-C-T. GRCh37 (hg19) VCF-style: chr2-215928910-C-T.
Other names: short protein forms G66R.
Identifiers: ClinVar variation 2864440 (VCV002864440.5), dbSNP rs201526979, ClinGen allele CA500009.